The following is an entry in ClinVar:

ClinVar aggregate classification (germline): Likely pathogenic (1 of 4 stars; one submission).

Submission:

CeGaT Center for Human Genetics Tuebingen
Classification: Likely pathogenic. Last evaluated: 2022-05-01. Review status: criteria provided, single submitter. Criteria: CeGaT Center For Human Genetics Tuebingen Variant Classification Criteria Version 2. Collection method: clinical testing. Allele origin: germline. Affected: yes. Observed: 1 variant allele.
Comment: RBM10: PVS1:Strong, PM2

NM_005676.5(RBM10):c.2537+1G>A

Gene: RBM10 (RNA binding motif protein 10; plus strand). Cytogenetic location: Xp11.3.
Variant type: single nucleotide variant.
Coding change: c.2537+1G>A on transcript NM_005676.5 (MANE Select); the canonical splice donor site of the intron after coding-DNA position 2537, G replaced by A.
Molecular consequence: splice donor variant.
Genome position (GRCh38, 1-based): chrX:47,186,172, G>A. VCF-style: chrX-47186172-G-A. GRCh37 (hg19) VCF-style: chrX-47045571-G-A.
Other names: c.2732+1G>A (NM_001204468.2); c.2534+1G>A (NM_001204467.2); c.2306+1G>A (NM_001204466.2); c.2303+1G>A (NM_152856.3).
Identifiers: ClinVar variation 1695295 (VCV001695295.31), dbSNP rs2147224076, ClinGen allele CA412809288.